The following is an entry in ClinVar:

NM_000520.6(HEXA):c.514_515del (p.Leu172fs)

Gene: HEXA (hexosaminidase subunit alpha; minus strand). Cytogenetic location: 15q23.
Variant type: Deletion.
Coding change: c.514_515del on transcript NM_000520.6 (MANE Select); coding-DNA positions 514 to 515, 2 bases deleted (TT; older notation c.514_515delTT).
Protein change: p.Leu172fs; shifts the reading frame from leucine 172.
Molecular consequence: frameshift variant. On other transcripts: non-coding transcript variant (1).
Genome position (GRCh38, 1-based): chr15:72,353,123-72,353,124, AA deleted on the plus strand (TT on the coding strand, the reverse complement: HEXA is on the minus strand). VCF-style (leftmost placement, unchanged base first): chr15-72353122-CAA-C. GRCh37 (hg19) VCF-style: chr15-72645463-CAA-C.
Other names: c.547_548del, p.Leu183fs (NM_001318825.2); short protein forms L172fs, L183fs.
Identifiers: ClinVar variation 3626783 (VCV003626783.2).

ClinVar aggregate classification (germline): Pathogenic (1 of 4 stars; one submission).

Conditions:
Tay-Sachs disease (TSD). Also called: HEXA DEFICIENCY; GM2 gangliosidosis, type 1; Hexosaminidase alpha-subunit deficiency (variant B); Sphingolipidosis, Tay-Sachs; Hexosaminidase A Deficiency; HEXA Disorders. Identifiers: Orphanet 845, MedGen C0039373, MONDO:0010100, OMIM 272800.

Submission:

Labcorp Genetics (formerly Invitae), Labcorp
Classification: Pathogenic for Tay-Sachs disease. Last evaluated: 2024-12-08. Review status: criteria provided, single submitter. Criteria: Invitae Variant Classification Sherloc (09022015). Collection method: clinical testing. Allele origin: germline.
Comment: This sequence change creates a premature translational stop signal (p.Leu172Alafs*13) in the HEXA gene. It is expected to result in an absent or disrupted protein product. Loss-of-function variants in HEXA are known to be pathogenic (PMID: 1833974, 8490625). This variant is not present in population databases (gnomAD no frequency). This variant has not been reported in the literature in individuals affected with HEXA-related conditions. For these reasons, this variant has been classified as Pathogenic.

Literature cited by the submitters: PubMed 1833974; PubMed 8490625.